The following is an entry in ClinVar:

ClinVar aggregate classification (germline): Uncertain significance (1 of 4 stars; one submission).

Conditions:
Hereditary cancer-predisposing syndrome. Also called: Hereditary Cancer Syndrome; Hereditary neoplastic syndrome; Neoplastic Syndromes, Hereditary; Tumor predisposition. Identifiers: Orphanet 140162, MedGen C0027672, MeSH D009386, MONDO:0015356.

Submission:

Ambry Genetics
Classification: Uncertain significance for Hereditary cancer-predisposing syndrome. Last evaluated: 2026-08-28. Review status: criteria provided, single submitter. Criteria: Ambry Variant Classification Scheme 2023. Collection method: clinical testing. Allele origin: germline.
Comment: The p.L170H variant (also known as c.509T>A), located in coding exon 2 of the MEN1 gene, results from a T to A substitution at nucleotide position 509. The leucine at codon 170 is replaced by histidine, an amino acid with similar properties. This amino acid position is conserved. In addition, this alteration is predicted to be deleterious by in silico analysis. Based on the available evidence, the clinical significance of this variant remains unclear.

NM_001370259.2(MEN1):c.509T>A (p.Leu170His)

Gene: MEN1 (menin 1; minus strand). Cytogenetic location: 11q13.1.
Variant type: single nucleotide variant.
Coding change: c.509T>A on transcript NM_001370259.2 (MANE Select); coding-DNA position 509, T replaced by A.
Protein change: p.Leu170His; replaces leucine 170 with histidine.
Molecular consequence: missense variant. On other transcripts: non-coding transcript variant (4).
Genome position (GRCh38, 1-based): chr11:64,808,036, A>T on the plus strand (T>A on the coding strand, the complement: MEN1 is on the minus strand). VCF-style: chr11-64808036-A-T. GRCh37 (hg19) VCF-style: chr11-64575508-A-T.
Other names: c.524T>A, p.Leu175His (NM_130804.3, NM_001407150.1, NM_130800.3 and 5 more transcripts); c.509T>A, p.Leu170His (NM_001407148.1, NM_001407149.1, NM_001407151.1 and 12 more transcripts); short protein forms L175H, L170H.
Identifiers: ClinVar variation 3872260 (VCV003872260.2).